The following is an entry in ClinVar:

NM_170707.4(LMNA):c.704G>A (p.Arg235His)

Gene: LMNA (lamin A/C; plus strand). Cytogenetic location: 1q22.
Variant type: single nucleotide variant.
Coding change: c.704G>A on transcript NM_170707.4 (MANE Select); coding-DNA position 704, G replaced by A.
Protein change: p.Arg235His; replaces arginine 235 with histidine.
Molecular consequence: missense variant.
Genome position (GRCh38, 1-based): chr1:156,134,869, G>A. VCF-style: chr1-156134869-G-A. GRCh37 (hg19) VCF-style: chr1-156104660-G-A.
Other names: c.368G>A, p.Arg123His (NM_001257374.3); c.461G>A, p.Arg154His (NM_001282624.2); c.704G>A, p.Arg235His (NM_001282625.2, NM_001282626.2, NM_005572.4 and 1 more transcripts); short protein forms R235H, R154H, R123H.
Identifiers: ClinVar variation 408986 (VCV000408986.22), dbSNP rs759829161, ClinGen allele CA054163.

ClinVar aggregate classification (germline): Uncertain significance. Review status: criteria provided, multiple submitters, no conflicts (2 of 4 stars). 6 submissions from 6 submitters: Uncertain significance (6). Last evaluated 2026-09-01.

Conditions:
LMNA-related disorder. Also called: LMNA-related disorders; LMNA-related condition; LMNA-related disease. Identifiers: MedGen CN380145.
Cardiovascular phenotype. Identifiers: MedGen CN230736.
Charcot-Marie-Tooth disease type 2. Also called: Charcot-Marie-Tooth type 2. Identifiers: Orphanet 64746, MedGen C0270914, MONDO:0018993.
Cardiomyopathy (CMYO). Also called: Cardiomyopathies. Identifiers: Orphanet 167848, MedGen C0878544, MONDO:0004994, HP:0001638. Inheritance: Various modes of inheritance.
Primary dilated cardiomyopathy (DCM). Also called: Dilated Cardiomyopathy. Identifiers: Orphanet 217604, MedGen C0007193, MeSH D002311, MONDO:0005021, HP:0001644. Inheritance: Various modes of inheritance.

Allele frequency attached by ClinVar (database versions not stated): gnomAD 0.00001; gnomAD exomes 0.00001; ExAC 0.00002; TOPMed 0.00003.
gnomAD v4.1: 14 of 1,614,114 alleles (0.00087%); highest among the groups gnomAD compares: Non-Finnish European, 0.0012%; no homozygotes.

Submissions (6):

PreventionGenetics, part of Exact Sciences
Classification: Uncertain significance for LMNA-related condition. Last evaluated: 2026-09-01. Review status: criteria provided, single submitter. Criteria: ACMG Guidelines, 2015. Collection method: clinical testing. Allele origin: germline.
Comment: The LMNA c.704G>A variant is predicted to result in the amino acid substitution p.Arg235His. To our knowledge, this variant has not been reported in the literature in individuals with LMNA-related disorders. This variant is reported in 0.010% of alleles in individuals of East Asian descent in gnomAD. At this time, the clinical significance of this variant is uncertain due to the absence of conclusive functional and genetic evidence.

GeneDx
Classification: Uncertain significance. Last evaluated: 2025-09-30. Review status: criteria provided, single submitter. Criteria: GeneDx Variant Classification Process June 2021. Collection method: clinical testing. Allele origin: germline. Affected: yes.
Comment: Has not been previously published in association with cardiomyopathy or arrhythmia to our knowledge; Not observed at significant frequency in large population cohorts (gnomAD); In silico analysis suggests that this missense variant does not alter protein structure/function; This variant is associated with the following publications: (PMID: 28663758, 10939567)

Color Diagnostics, LLC DBA Color Health
Classification: Uncertain significance for Cardiomyopathy. Last evaluated: 2025-02-18. Review status: criteria provided, single submitter. Criteria: ACMG Guidelines, 2015. Collection method: clinical testing. Allele origin: germline.
Comment: This missense variant replaces arginine with histidine at codon 235 of the LMNA protein. Computational prediction tool is inconclusive regarding the impact of this variant on protein structure and function. To our knowledge, functional studies have not been reported for this variant. This variant has not been reported in individuals affected with LMNA-related disorders in the literature. This variant has been identified in 3/282864 chromosomes in the general population by the Genome Aggregation Database (gnomAD). The available evidence is insufficient to determine the role of this variant in disease conclusively. Therefore, this variant is classified as a Variant of Uncertain Significance.

Labcorp Genetics (formerly Invitae), Labcorp
Classification: Uncertain significance for Charcot-Marie-Tooth disease type 2. Last evaluated: 2024-12-12. Review status: criteria provided, single submitter. Criteria: Invitae Variant Classification Sherloc (09022015). Collection method: clinical testing. Allele origin: germline.
Comment: This sequence change replaces arginine, which is basic and polar, with histidine, which is basic and polar, at codon 235 of the LMNA protein (p.Arg235His). This variant is present in population databases (rs759829161, gnomAD 0.005%). This variant has not been reported in the literature in individuals affected with LMNA-related conditions. ClinVar contains an entry for this variant (Variation ID: 408986). Invitae Evidence Modeling of protein sequence and biophysical properties (such as structural, functional, and spatial information, amino acid conservation, physicochemical variation, residue mobility, and thermodynamic stability) indicates that this missense variant is expected to disrupt LMNA protein function with a positive predictive value of 95%. In summary, the available evidence is currently insufficient to determine the role of this variant in disease. Therefore, it has been classified as a Variant of Uncertain Significance.

Ambry Genetics
Classification: Uncertain significance for Cardiovascular phenotype. Last evaluated: 2024-05-17. Review status: criteria provided, single submitter. Criteria: Ambry Variant Classification Scheme 2023. Collection method: clinical testing. Allele origin: germline.
Comment: The p.R235H variant (also known as c.704G>A), located in coding exon 4 of the LMNA gene, results from a G to A substitution at nucleotide position 704. The arginine at codon 235 is replaced by histidine, an amino acid with highly similar properties. This amino acid position is not well conserved in available vertebrate species. In addition, the in silico prediction for this alteration is inconclusive. Based on the available evidence, the clinical significance of this variant remains unclear.

All of Us Research Program, National Institutes of Health
Classification: Uncertain significance for Primary dilated cardiomyopathy. Last evaluated: 2023-04-27. Review status: criteria provided, single submitter. Criteria: ACMG Guidelines, 2015. Collection method: clinical testing. Allele origin: germline. Inheritance: Autosomal dominant inheritance. Observed: 2 variant alleles, 2 heterozygotes.
Comment: This missense variant replaces arginine with histidine at codon 235 of the lamin A/C protein. Computational prediction tools and conservation analyses are inconclusive regarding the impact of this variant on protein structure and function. Splice site prediction tools suggest that this variant may not impact RNA splicing. To our knowledge, functional studies have not been performed for this variant. This variant has not been reported in individuals affected with cardiovascular disorders in the literature. This variant has been identified in 3/282864 chromosomes in the general population by the Genome Aggregation Database (gnomAD). The available evidence is insufficient to determine the role of this variant in disease conclusively. Therefore, this variant is classified as a Variant of Uncertain Significance.

This study involves interpretation of variants in research participants for the purpose of population health screening. Participant phenotype was not available at the time of variant classification. Additional details can be found in publication PMID: 35346344, PMCID: PMC8962531